The following is an entry in ClinVar:

ClinVar aggregate classification (germline): Uncertain significance. Review status: criteria provided, multiple submitters, no conflicts (2 of 4 stars). 2 submissions from 2 submitters: Uncertain significance (2). Last evaluated 2026-01-12.

Conditions:
Emery-Dreifuss muscular dystrophy 5, autosomal dominant (EDMD5). Also called: EMERY-DREIFUSS MUSCULAR DYSTROPHY 5. Identifiers: Orphanet 261, MedGen C2751805, MONDO:0013072, OMIM 612999.

Allele frequency attached by ClinVar (database versions not stated): TOPMed below 0.00001; gnomAD 0.00001; gnomAD exomes 0.00001.
gnomAD v4.1: 14 of 1,613,962 alleles (0.00087%); highest among the groups gnomAD compares: Non-Finnish European, 0.0012%; no homozygotes.

Submissions (2):

Labcorp Genetics (formerly Invitae), Labcorp
Classification: Uncertain significance for Emery-Dreifuss muscular dystrophy 5, autosomal dominant. Last evaluated: 2026-01-12. Review status: criteria provided, single submitter. Criteria: Invitae Variant Classification Sherloc (09022015). Collection method: clinical testing. Allele origin: germline.
Comment: This sequence change replaces histidine, which is basic and polar, with arginine, which is basic and polar, at codon 6187 of the SYNE2 protein (p.His6187Arg). This variant is not present in population databases (gnomAD no frequency). This variant has not been reported in the literature in individuals affected with SYNE2-related conditions. ClinVar contains an entry for this variant (Variation ID: 2086276). An algorithm developed to predict the effect of missense changes on protein structure and function (PolyPhen-2) suggests that this variant is likely to be disruptive. In summary, the available evidence is currently insufficient to determine the role of this variant in disease. Therefore, it has been classified as a Variant of Uncertain Significance.

Ambry Genetics
Classification: Uncertain significance. Last evaluated: 2025-07-31. Review status: criteria provided, single submitter. Criteria: Ambry Variant Classification Scheme 2023. Collection method: clinical testing. Allele origin: germline.

NM_182914.3(SYNE2):c.18560A>G (p.His6187Arg)

Gene: SYNE2 (spectrin repeat containing nuclear envelope protein 2; plus strand). Cytogenetic location: 14q23.2.
Variant type: single nucleotide variant.
Coding change: c.18560A>G on transcript NM_182914.3 (MANE Select); coding-DNA position 18560, A replaced by G.
Protein change: p.His6187Arg; replaces histidine 6187 with arginine.
Molecular consequence: missense variant.
Genome position (GRCh38, 1-based): chr14:64,209,961, A>G. VCF-style: chr14-64209961-A-G. GRCh37 (hg19) VCF-style: chr14-64676679-A-G.
Other names: c.18560A>G (NM_182914.2); c.18560A>G, p.His6187Arg (NM_015180.6); short protein forms H6187R.
Identifiers: ClinVar variation 2086276 (VCV002086276.5), dbSNP rs1046347687, ClinGen allele CA261823285.